The following is an entry in ClinVar:

ClinVar aggregate classification (germline): Uncertain significance (1 of 4 stars; one submission).

Conditions:
3-methylglutaconic aciduria type 1 (MGCA1). Identifiers: Orphanet 67046, MedGen C0342727, MONDO:0009610, OMIM 250950.

Submission:

Labcorp Genetics (formerly Invitae), Labcorp
Classification: Uncertain significance for 3-methylglutaconic aciduria type 1. Last evaluated: 2022-02-09. Review status: criteria provided, single submitter. Criteria: Invitae Variant Classification Sherloc (09022015). Collection method: clinical testing. Allele origin: germline.
Comment: In summary, the available evidence is currently insufficient to determine the role of this variant in disease. Therefore, it has been classified as a Variant of Uncertain Significance. Algorithms developed to predict the effect of missense changes on protein structure and function output the following: SIFT: "Tolerated"; PolyPhen-2: "Benign"; Align-GVGD: "Class C0". The serine amino acid residue is found in multiple mammalian species, which suggests that this missense change does not adversely affect protein function. This variant has not been reported in the literature in individuals affected with AUH-related conditions. This variant is not present in population databases (gnomAD no frequency). This sequence change replaces proline, which is neutral and non-polar, with serine, which is neutral and polar, at codon 156 of the AUH protein (p.Pro156Ser).

NM_001698.3(AUH):c.466C>T (p.Pro156Ser)

Gene: AUH (AU RNA binding methylglutaconyl-CoA hydratase; minus strand). Cytogenetic location: 9q22.31.
Variant type: single nucleotide variant.
Coding change: c.466C>T on transcript NM_001698.3 (MANE Select); coding-DNA position 466, C replaced by T.
Protein change: p.Pro156Ser; replaces proline 156 with serine.
Molecular consequence: missense variant. On other transcripts: intron variant (1).
Genome position (GRCh38, 1-based): chr9:91,325,357, G>A on the plus strand (C>T on the coding strand, the complement: AUH is on the minus strand). VCF-style: chr9-91325357-G-A. GRCh37 (hg19) VCF-style: chr9-94087639-G-A.
Other names: c.139C>T, p.Pro47Ser (NM_001351431.2, NM_001351432.2, NM_001351433.2); c.419-27281C>T (NM_001306190.2); short protein forms P47S, P156S.
Identifiers: ClinVar variation 2091890 (VCV002091890.4), dbSNP rs2538069536, ClinGen allele CA373837118.
Genomic context (GRCh38, chr9:91,325,357, plus strand): 5'-GAAGAACTTAATAGTGCTTACCAATATCGTTAATCACTGCTCTTATTTTGGAGACAAAAG[G>A]ACCAACTTCACTGGAACTCATTTTGGCTCTTTCCTTAAGGTCAGCACCTGCAAAGTATTT-3'
Protein context (NP_001689.1, residues 146-166): RAKMSSSEVG[Pro156Ser]FVSKIRAVIN